The following is an entry in ClinVar:

ClinVar aggregate classification (germline): Pathogenic (1 of 4 stars; one submission).

Conditions:
Hereditary breast ovarian cancer syndrome. Also called: BRCA1- and BRCA2-Associated Hereditary Breast and Ovarian Cancer; Hereditary breast and/or ovarian cancer syndrome; Hereditary breast and ovarian cancer syndrome; Hereditary breast and ovarian cancer syndrome (HBOC); Breast and ovarian cancer; Hereditary breast and ovarian cancer. Identifiers: Orphanet 145, MedGen C0677776, MeSH D061325, MONDO:0003582. Disease mechanism: loss of function.

Submission:

Labcorp Genetics (formerly Invitae), Labcorp
Classification: Pathogenic for Hereditary breast ovarian cancer syndrome. Last evaluated: 2024-02-04. Review status: criteria provided, single submitter. Criteria: Invitae Variant Classification Sherloc (09022015). Collection method: clinical testing. Allele origin: germline.
Comment: This sequence change creates a premature translational stop signal (p.Asn714Ilefs*22) in the BRCA1 gene. It is expected to result in an absent or disrupted protein product. Loss-of-function variants in BRCA1 are known to be pathogenic (PMID: 20104584). This variant is not present in population databases (gnomAD no frequency). This variant has not been reported in the literature in individuals affected with BRCA1-related conditions. For these reasons, this variant has been classified as Pathogenic.

Literature cited by the submitters: PubMed 20104584.

NM_007294.4(BRCA1):c.2141del (p.Asn714fs)

Gene: BRCA1 (BRCA1 DNA repair associated; minus strand). Cytogenetic location: 17q21.31.
Variant type: Deletion.
Coding change: c.2141del on transcript NM_007294.4 (MANE Select); coding-DNA position 2141, one base deleted (A; older notation c.2141delA).
Protein change: p.Asn714fs; shifts the reading frame from asparagine 714.
Molecular consequence: frameshift variant. On other transcripts: intron variant (137).
Genome position (GRCh38, 1-based): chr17:43,093,390, T deleted on the plus strand (A on the coding strand, the reverse complement: BRCA1 is on the minus strand); the first of 3 consecutive T bases (chr17:43,093,390-43,093,392); deleting any one gives the same sequence. VCF-style (leftmost placement, unchanged base first): chr17-43093389-AT-A. GRCh37 (hg19) VCF-style: chr17-41245406-AT-A.
Other names: c.1808del, p.Asn603fs (NM_001407952.1, NM_001407953.1, NM_001407957.1 and 6 more transcripts); c.1805del, p.Asn602fs (NM_001407954.1, NM_001407955.1, NM_001407956.1 and 1 more transcripts); c.1760del, p.Asn587fs (NM_001407959.1, NM_001407963.1, NM_001407960.1); c.1757del, p.Asn586fs (NM_001407962.1); c.1997del, p.Asn666fs (NM_001407964.1, NM_001407740.1, NM_001407741.1 and 20 more transcripts); c.1637del, p.Asn546fs (NM_001407965.1); c.1253del, p.Asn418fs (NM_001407966.1, NM_001407967.1); c.2000del, p.Asn667fs (NM_007297.4, NM_001407692.1, NM_001407694.1 and 29 more transcripts); and 41 more; short protein forms N586fs, N603fs, N644fs, N666fs, N672fs, N711fs, N587fs, N667fs.
Identifiers: ClinVar variation 3638588 (VCV003638588.2).